The following is an entry in ClinVar:

ClinVar aggregate classification (germline): Pathogenic (1 of 4 stars; one submission).

Conditions:
Ellis-van Creveld syndrome (EVC). Also called: MESOECTODERMAL DYSPLASIA; EVC2-Related Ellis-van Creveld Syndrome; EVC-Related Ellis-van Creveld Syndrome; Chondroectodermal dysplasia. Identifiers: Orphanet 289, MedGen C0013903, MONDO:0009162, OMIM 225500.

Submission:

Cancer Diagnostics Division, Gene Solutions
Classification: Pathogenic for Ellis-van Creveld syndrome. Last evaluated: 2019-05-04. Review status: criteria provided, single submitter. Criteria: ACMG Guidelines, 2015. Collection method: research. Allele origin: germline. Affected: yes and no. Observed: 1 heterozygote, 1 compound heterozygote.

NM_153717.3(EVC):c.2376del (p.Tyr793fs)

Gene: EVC (EvC ciliary complex subunit 1; plus strand). Cytogenetic location: 4p16.2.
Variant type: Deletion.
Coding change: c.2376del on transcript NM_153717.3 (MANE Select); coding-DNA position 2376, one base deleted (G; older notation c.2376delG).
Protein change: p.Tyr793fs; shifts the reading frame from tyrosine 793.
Molecular consequence: frameshift variant.
Genome position (GRCh38, 1-based): chr4:5,802,021, G deleted. VCF-style (leftmost placement, unchanged base first): chr4-5802020-CG-C. GRCh37 (hg19) VCF-style: chr4-5803747-CG-C.
Other names: c.2376del, p.Tyr793fs (NM_001306090.2); short protein forms Y793fs.
Identifiers: ClinVar variation 804172 (VCV000804172.1), dbSNP rs1577638781, ClinGen allele CA915943011.